The following is an entry in ClinVar:

ClinVar aggregate classification (germline): Conflicting classifications of pathogenicity. Review status: criteria provided, conflicting classifications (1 of 4 stars). 3 submissions from 3 submitters: Uncertain significance (2); Benign (1). Last evaluated 2025-10-09.

Conditions:
Idiopathic Pulmonary Fibrosis. Also called: Idiopathic fibrosing alveolitis, chronic form; idiopathic fibrosing alveolitis. Identifiers: Orphanet 2032, MedGen C1800706, MeSH D054990, MONDO:0800504.
Dyskeratosis congenita, autosomal dominant 2. Identifiers: MedGen C3151443, MONDO:0013521, OMIM 613989.
Dyskeratosis congenita. Identifiers: Orphanet 1775, MedGen C0265965, MONDO:0015780.

gnomAD v4.1: 1 of 1,594,950 alleles (0.000063%); highest among the groups gnomAD compares: Admixed American, 0.0017%; no homozygotes.

Submissions (3):

Labcorp Genetics (formerly Invitae), Labcorp
Classification: Uncertain significance for Dyskeratosis congenita, autosomal dominant 2; Idiopathic Pulmonary Fibrosis. Last evaluated: 2025-10-09. Review status: criteria provided, single submitter. Criteria: Invitae Variant Classification Sherloc (09022015). Collection method: clinical testing. Allele origin: germline.
Comment: This sequence change replaces cysteine, which is neutral and slightly polar, with serine, which is neutral and polar, at codon 76 of the TERT protein (p.Cys76Ser). This variant is present in population databases (no rsID available, gnomAD 0.1%). This missense change has been observed in individual(s) with TERT-related conditions (PMID: 34019641). ClinVar contains an entry for this variant (Variation ID: 1402275). Invitae Evidence Modeling of protein sequence and biophysical properties (such as structural, functional, and spatial information, amino acid conservation, physicochemical variation, residue mobility, and thermodynamic stability) indicates that this missense variant is not expected to disrupt TERT protein function with a negative predictive value of 95%. Experimental studies have shown that this missense change does not substantially affect TERT function (PMID: 34019641). In summary, the available evidence is currently insufficient to determine the role of this variant in disease. Therefore, it has been classified as a Variant of Uncertain Significance.

Ambry Genetics
Classification: Benign for Dyskeratosis congenita. Last evaluated: 2025-05-20. Review status: criteria provided, single submitter. Criteria: Ambry Variant Classification Scheme 2023. Collection method: clinical testing. Allele origin: germline.

GeneDx
Classification: Uncertain significance. Last evaluated: 2024-10-27. Review status: criteria provided, single submitter. Criteria: GeneDx Variant Classification Process June 2021. Collection method: clinical testing. Allele origin: germline. Affected: yes.
Comment: Not observed at significant frequency in large population cohorts (gnomAD); In silico analysis indicates that this missense variant does not alter protein structure/function; Published functional studies suggests variant p.C76S does not negatively impact telomere elongation activity (PMID: 34019641); Observed in an individual with myelodysplastic syndrome (MDS) without a clinical diagnosis of a telomere biology disorder (PMID: 34019641); This variant is associated with the following publications: (PMID: 34019641)

Literature cited by the submitters: PubMed 34019641 (cited by Labcorp Genetics (formerly Invitae), Labcorp).

NM_198253.3(TERT):c.227G>C (p.Cys76Ser)

Genes: TERT (telomerase reverse transcriptase; minus strand), LOC110806263 (TERT 5' regulatory region; plus strand). Cytogenetic location: 5p15.33.
Variant type: single nucleotide variant.
Coding change: c.227G>C on transcript NM_198253.3 (MANE Select); coding-DNA position 227, G replaced by C.
Protein change: p.Cys76Ser; replaces cysteine 76 with serine.
Molecular consequence: missense variant. On other transcripts: non-coding transcript variant (2).
Genome position (GRCh38, 1-based): chr5:1,294,659, C>G on the plus strand (G>C on the coding strand, the complement: TERT is on the minus strand). VCF-style: chr5-1294659-C-G. GRCh37 (hg19) VCF-style: chr5-1294774-C-G.
Other names: c.227G>C (NM_198253.2); c.227G>C, p.Cys76Ser (NM_001193376.3); short protein forms C76S.
Identifiers: ClinVar variation 1402275 (VCV001402275.8), dbSNP rs1192287561, ClinGen allele CA359058717.
Genomic context (GRCh38, chr5:1,294,659, plus strand): 5'-ACGTTCTTCGCGCCGCGCTCGCACAGCCTCTGCAGCACTCGGGCCACCAGCTCCTTCAGG[C>G]AGGACACCTGCGGGGGAAGCGCCCTGAGTCGCCTGCGCTGCTCTCCGCATGTCGCTGGTT-3'
Protein context (NP_937983.2, residues 66-86): PAAPSFRQVS[Cys76Ser]LKELVARVLQ